The following is an entry in ClinVar:

NM_003901.4(SGPL1):c.922T>C (p.Tyr308His)

Gene: SGPL1 (sphingosine-1-phosphate lyase 1; plus strand). Cytogenetic location: 10q22.1.
Variant type: single nucleotide variant.
Coding change: c.922T>C on transcript NM_003901.4 (MANE Select); coding-DNA position 922, T replaced by C.
Protein change: p.Tyr308His; replaces tyrosine 308 with histidine.
Molecular consequence: missense variant. On other transcripts: non-coding transcript variant (1).
Genome position (GRCh38, 1-based): chr10:70,871,849, T>C. VCF-style: chr10-70871849-T-C. GRCh37 (hg19) VCF-style: chr10-72631606-T-C.
Other names: c.682T>C, p.Tyr228His (NM_001437828.1); c.955T>C, p.Tyr319His (NM_001438353.1); c.922T>C, p.Tyr308His (NM_001438354.1, NM_001438355.1, NM_001438356.1 and 1 more transcripts); short protein forms Y228H, Y308H, Y319H.
Identifiers: ClinVar variation 4692215 (VCV004692215.1).

ClinVar aggregate classification (germline): Uncertain significance (1 of 4 stars; one submission).

gnomAD v4.1: 3 of 1,613,474 alleles (0.00019%); highest among the groups gnomAD compares: African/African-American, 0.0013%; no homozygotes.

Submission:

Labcorp Genetics (formerly Invitae), Labcorp
Classification: Uncertain significance. Last evaluated: 2025-08-04. Review status: criteria provided, single submitter. Criteria: Invitae Variant Classification Sherloc (09022015). Collection method: clinical testing. Allele origin: germline.
Comment: This sequence change replaces tyrosine, which is neutral and polar, with histidine, which is basic and polar, at codon 308 of the SGPL1 protein (p.Tyr308His). This variant is present in population databases (no rsID available, gnomAD 0.0009%). This variant has not been reported in the literature in individuals affected with SGPL1-related conditions. Invitae Evidence Modeling of protein sequence and biophysical properties (such as structural, functional, and spatial information, amino acid conservation, physicochemical variation, residue mobility, and thermodynamic stability) indicates that this missense variant is not expected to disrupt SGPL1 protein function with a negative predictive value of 80%. In summary, the available evidence is currently insufficient to determine the role of this variant in disease. Therefore, it has been classified as a Variant of Uncertain Significance.